The following is an entry in ClinVar:

ClinVar aggregate classification (germline): Uncertain significance (1 of 4 stars; one submission).

Conditions:
Facioscapulohumeral muscular dystrophy 2 (FSHD2). Also called: FACIOSCAPULOHUMERAL MUSCULAR DYSTROPHY 2, DIGENIC; MUSCULAR DYSTROPHY, FACIOSCAPULOHUMERAL, TYPE 1B; FSHD2, DIGENIC. Identifiers: Orphanet 269, MedGen C1834671, MONDO:0008031, OMIM 158901.

Allele frequency attached by ClinVar (database versions not stated): gnomAD exomes below 0.00001; TOPMed 0.00001.
gnomAD v4.1: 1 of 1,548,286 alleles (0.000065%); highest among the groups gnomAD compares: Non-Finnish European, 0.000087%; no homozygotes.

Submission:

Labcorp Genetics (formerly Invitae), Labcorp
Classification: Uncertain significance for Facioscapulohumeral muscular dystrophy 2. Last evaluated: 2022-07-30. Review status: criteria provided, single submitter. Criteria: Invitae Variant Classification Sherloc (09022015). Collection method: clinical testing. Allele origin: germline.
Comment: This sequence change replaces tyrosine, which is neutral and polar, with cysteine, which is neutral and slightly polar, at codon 981 of the SMCHD1 protein (p.Tyr981Cys). In summary, the available evidence is currently insufficient to determine the role of this variant in disease. Therefore, it has been classified as a Variant of Uncertain Significance. Algorithms developed to predict the effect of missense changes on protein structure and function (SIFT, PolyPhen-2, Align-GVGD) all suggest that this variant is likely to be disruptive. This variant has not been reported in the literature in individuals affected with SMCHD1-related conditions. This variant is not present in population databases (gnomAD no frequency).

NM_015295.3(SMCHD1):c.2942A>G (p.Tyr981Cys)

Gene: SMCHD1 (structural maintenance of chromosomes flexible hinge domain containing 1; plus strand). Cytogenetic location: 18p11.32.
Variant type: single nucleotide variant.
Coding change: c.2942A>G on transcript NM_015295.3 (MANE Select); coding-DNA position 2942, A replaced by G.
Protein change: p.Tyr981Cys; replaces tyrosine 981 with cysteine.
Molecular consequence: missense variant.
Genome position (GRCh38, 1-based): chr18:2,729,303, A>G. VCF-style: chr18-2729303-A-G. GRCh37 (hg19) VCF-style: chr18-2729301-A-G.
Other names: short protein forms Y981C.
Identifiers: ClinVar variation 1714391 (VCV001714391.5), dbSNP rs1598376590, ClinGen allele CA401683928.